The following is an entry in ClinVar:

ClinVar aggregate classification (germline): Uncertain significance (1 of 4 stars; one submission).

gnomAD v4.1: 2 of 1,551,322 alleles (0.00013%); highest among the groups gnomAD compares: Non-Finnish European, 0.00017%; no homozygotes.

Submission:

Labcorp Genetics (formerly Invitae), Labcorp
Classification: Uncertain significance. Last evaluated: 2021-08-31. Review status: criteria provided, single submitter. Criteria: Invitae Variant Classification Sherloc (09022015). Collection method: clinical testing. Allele origin: germline.
Comment: This sequence change replaces threonine with asparagine at codon 1606 of the EYS protein (p.Thr1606Asn). The threonine residue is moderately conserved and there is a small physicochemical difference between threonine and asparagine. This variant is not present in population databases (ExAC no frequency). This variant has not been reported in the literature in individuals affected with EYS-related conditions. Algorithms developed to predict the effect of missense changes on protein structure and function are either unavailable or do not agree on the potential impact of this missense change (SIFT: "Deleterious"; PolyPhen-2: "Probably Damaging"; Align-GVGD: "Class C0"). In summary, the available evidence is currently insufficient to determine the role of this variant in disease. Therefore, it has been classified as a Variant of Uncertain Significance.

NM_001142800.2(EYS):c.4817C>A (p.Thr1606Asn)

Gene: EYS (eyes shut homolog; minus strand). Cytogenetic location: 6q12.
Variant type: single nucleotide variant.
Coding change: c.4817C>A on transcript NM_001142800.2 (MANE Select); coding-DNA position 4817, C replaced by A.
Protein change: p.Thr1606Asn; replaces threonine 1606 with asparagine.
Molecular consequence: missense variant.
Genome position (GRCh38, 1-based): chr6:64,591,050, G>T on the plus strand (C>A on the coding strand, the complement: EYS is on the minus strand). VCF-style: chr6-64591050-G-T. GRCh37 (hg19) VCF-style: chr6-65300943-G-T.
Other names: c.4817C>A, p.Thr1606Asn (NM_001292009.2); short protein forms T1606N.
Identifiers: ClinVar variation 937529 (VCV000937529.6), dbSNP rs1582929370, ClinGen allele CA364782468.